The following is an entry in ClinVar:

NM_024580.6(EFL1):c.2254A>G (p.Ser752Gly)

Gene: EFL1 (elongation factor like GTPase 1; minus strand). Cytogenetic location: 15q25.2.
Variant type: single nucleotide variant.
Coding change: c.2254A>G on transcript NM_024580.6 (MANE Select); coding-DNA position 2254, A replaced by G.
Protein change: p.Ser752Gly; replaces serine 752 with glycine.
Molecular consequence: missense variant. On other transcripts: non-coding transcript variant (1).
Genome position (GRCh38, 1-based): chr15:82,152,200, T>C on the plus strand (A>G on the coding strand, the complement: EFL1 is on the minus strand). VCF-style: chr15-82152200-T-C. GRCh37 (hg19) VCF-style: chr15-82444541-T-C.
Other names: c.2101A>G, p.Ser701Gly (NM_001040610.3); c.1465A>G, p.Ser489Gly (NM_001322844.2); c.2254A>G, p.Ser752Gly (NM_001322845.2); short protein forms S489G, S701G, S752G.
Identifiers: ClinVar variation 1397975 (VCV001397975.4), dbSNP rs199949911, ClinGen allele CA7697776.
Genomic context (GRCh38, chr15:82,152,200, plus strand): 5'-AATCACTATTTTCTTCCAGAATCTGGGTGACTTCTTCTGGAAGGGGCATGGCTCGAACAC[T>C]GAGCGTGGCAAGTTTATTGGGAGTTGTTATGGTGATTAGCCCGTCAGAGTCAACTTGGAT-3'
Protein context (NP_078856.4, residues 742-762): ITTPNKLATL[Ser752Gly]VRAMPLPEEV

ClinVar aggregate classification (germline): Uncertain significance. Review status: criteria provided, multiple submitters, no conflicts (2 of 4 stars). 2 submissions from 2 submitters: Uncertain significance (2). Last evaluated 2024-06-06.

Allele frequency attached by ClinVar (database versions not stated): gnomAD exomes 0.00003 and 0.00005; TOPMed 0.00003; ExAC 0.00005; gnomAD 0.00005.
gnomAD v4.1: 76 of 1,614,070 alleles (0.0047%); highest among the groups gnomAD compares: Admixed American, 0.0067%; no homozygotes.

Submissions (2):

Blueprint Genetics
Classification: Uncertain significance. Last evaluated: 2024-06-06. Review status: criteria provided, single submitter. Criteria: ACMG Guidelines, 2015. Collection method: clinical testing. Allele origin: germline.

Labcorp Genetics (formerly Invitae), Labcorp
Classification: Uncertain significance. Last evaluated: 2021-10-22. Review status: criteria provided, single submitter. Criteria: Invitae Variant Classification Sherloc (09022015). Collection method: clinical testing. Allele origin: germline.
Comment: This sequence change replaces serine with glycine at codon 752 of the EFL1 protein (p.Ser752Gly). The serine residue is moderately conserved and there is a small physicochemical difference between serine and glycine. This variant is present in population databases (rs199949911, ExAC 0.009%). This variant has not been reported in the literature in individuals affected with EFL1-related conditions. Algorithms developed to predict the effect of missense changes on protein structure and function (SIFT, PolyPhen-2, Align-GVGD) all suggest that this variant is likely to be tolerated. In summary, the available evidence is currently insufficient to determine the role of this variant in disease. Therefore, it has been classified as a Variant of Uncertain Significance.